The following is an entry in ClinVar:

NM_001303052.2(MYT1L):c.1295C>A (p.Thr432Asn)

Gene: MYT1L (myelin transcription factor 1 like; minus strand). Cytogenetic location: 2p25.3.
Variant type: single nucleotide variant.
Coding change: c.1295C>A on transcript NM_001303052.2 (MANE Select); coding-DNA position 1295, C replaced by A.
Protein change: p.Thr432Asn; replaces threonine 432 with asparagine.
Molecular consequence: missense variant.
Genome position (GRCh38, 1-based): chr2:1,922,474, G>T on the plus strand (C>A on the coding strand, the complement: MYT1L is on the minus strand). VCF-style: chr2-1922474-G-T. GRCh37 (hg19) VCF-style: chr2-1926246-G-T.
Other names: c.1295C>A, p.Thr432Asn (NM_001329844.2, NM_001329845.1, NM_001329846.3 and 6 more transcripts); short protein forms T432N.
Identifiers: ClinVar variation 1029338 (VCV001029338.1), dbSNP rs2053686318, ClinGen allele CA345704275.

ClinVar aggregate classification (germline): Uncertain significance (1 of 4 stars; one submission).

Conditions:
Intellectual developmental disorder, autosomal dominant 39. Also called: Intellectual disability, autosomal dominant 39; Mental retardation, autosomal dominant 39. Identifiers: MedGen C4225296, MONDO:0014678, OMIM 616521.

Submission:

Baylor Genetics
Classification: Uncertain significance for Intellectual developmental disorder, autosomal dominant 39. Last evaluated: 2019-08-23. Review status: criteria provided, single submitter. Criteria: ACMG Guidelines, 2015. Collection method: clinical testing. Allele origin: unknown. Affected: yes.
Comment: This variant was determined to be of uncertain significance according to ACMG Guidelines, 2015 [PMID:25741868].